The following is an entry in ClinVar:

ClinVar aggregate classification (germline): Conflicting classifications of pathogenicity. Review status: criteria provided, conflicting classifications (1 of 4 stars). 3 submissions from 3 submitters: Uncertain significance (1); Likely benign (1). 1 of the submissions does not count toward it. Last evaluated 2026-01-08.

Conditions:
XYLT2-related disorder. Also called: XYLT2-related condition.
Osteogenesis imperfecta (OI). Identifiers: Orphanet 666, MedGen C0029434, MeSH D010013, MONDO:0019019.

Allele frequency attached by ClinVar (database versions not stated): gnomAD exomes 0.00006; ExAC 0.00009; gnomAD 0.00015 and 0.00016; TOPMed 0.00017; ESP Exome Variant Server 0.00038.
gnomAD v4.1: 54 of 1,612,494 alleles (0.0033%); highest among the groups gnomAD compares: African/African-American, 0.056%; no homozygotes.

Submissions (3):

Labcorp Genetics (formerly Invitae), Labcorp
Classification: Likely benign. Last evaluated: 2026-01-08. Review status: criteria provided, single submitter. Criteria: Invitae Variant Classification Sherloc (09022015). Collection method: clinical testing. Allele origin: germline.

Genome Diagnostics Laboratory, The Hospital for Sick Children
Classification: Uncertain significance for Osteogenesis imperfecta. Last evaluated: 2022-03-23. Review status: criteria provided, single submitter. Criteria: ACMG Guidelines, 2015. Collection method: clinical testing. Allele origin: germline.

PreventionGenetics, part of Exact Sciences
Classification: Likely benign for XYLT2-related condition. Last evaluated: 2019-06-06. Review status: no assertion criteria provided. Collection method: clinical testing. Allele origin: germline. Not counted in ClinVar's aggregate classification.
Comment: This variant is classified as likely benign based on ACMG/AMP sequence variant interpretation guidelines (Richards et al. 2015 PMID: 25741868, with internal and published modifications).

NM_022167.4(XYLT2):c.1998G>A (p.Leu666=)

Gene: XYLT2 (xylosyltransferase 2; plus strand). Cytogenetic location: 17q21.33.
Variant type: single nucleotide variant.
Coding change: c.1998G>A on transcript NM_022167.4 (MANE Select); coding-DNA position 1998, G replaced by A.
Protein change: p.Leu666=; no amino-acid change (leucine 666 retained).
Molecular consequence: synonymous variant.
Genome position (GRCh38, 1-based): chr17:50,358,263, G>A. VCF-style: chr17-50358263-G-A. GRCh37 (hg19) VCF-style: chr17-48435624-G-A.
Identifiers: ClinVar variation 1702078 (VCV001702078.10), dbSNP rs140443495, ClinGen allele CA8646638.
Genomic context (GRCh38, chr17:50,358,263, plus strand): 5'-ACAGGTTGGCACTGATTGGGACCCCAAAGAGCGTCTTTTCCGGAACTTTGGGGGGTTACT[G>A]GGGCCGCTGGACGAGCCTGTGGCCGTGCAGCGCTGGGCCCGGGGCCCCAACCTCACAGCC-3'
Protein context (NP_071450.2, residues 656-676): ERLFRNFGGL[Leu666=]GPLDEPVAVQ